The following is an entry in ClinVar:

ClinVar aggregate classification (germline): Uncertain significance (1 of 4 stars; one submission).

Conditions:
Baller-Gerold syndrome (BGS). Also called: CRANIOSYNOSTOSIS WITH RADIAL DEFECTS. Identifiers: Orphanet 1225, MedGen C0265308, MONDO:0009039, OMIM 218600.

Allele frequency attached by ClinVar (database versions not stated): gnomAD exomes below 0.00001; ExAC 0.00001.
gnomAD v4.1: 7 of 1,612,516 alleles (0.00043%); highest among the groups gnomAD compares: Non-Finnish European, 0.00051%; no homozygotes.

Submission:

Labcorp Genetics (formerly Invitae), Labcorp
Classification: Uncertain significance for Baller-Gerold syndrome. Last evaluated: 2023-01-02. Review status: criteria provided, single submitter. Criteria: Invitae Variant Classification Sherloc (09022015). Collection method: clinical testing. Allele origin: germline.
Comment: Advanced modeling of protein sequence and biophysical properties (such as structural, functional, and spatial information, amino acid conservation, physicochemical variation, residue mobility, and thermodynamic stability) performed at Invitae indicates that this missense variant is not expected to disrupt RECQL4 protein function. This variant has not been reported in the literature in individuals affected with RECQL4-related conditions. This variant is present in population databases (rs777976493, gnomAD 0.002%). This sequence change replaces serine, which is neutral and polar, with tyrosine, which is neutral and polar, at codon 984 of the RECQL4 protein (p.Ser984Tyr). In summary, the available evidence is currently insufficient to determine the role of this variant in disease. Therefore, it has been classified as a Variant of Uncertain Significance.

NM_004260.4(RECQL4):c.2951C>A (p.Ser984Tyr)

Gene: RECQL4 (RecQ like helicase 4; minus strand). Cytogenetic location: 8q24.3.
Variant type: single nucleotide variant.
Coding change: c.2951C>A on transcript NM_004260.4 (MANE Select); coding-DNA position 2951, C replaced by A.
Protein change: p.Ser984Tyr; replaces serine 984 with tyrosine.
Molecular consequence: missense variant. On other transcripts: non-coding transcript variant (3).
Genome position (GRCh38, 1-based): chr8:144,512,496, G>T on the plus strand (C>A on the coding strand, the complement: RECQL4 is on the minus strand). VCF-style: chr8-144512496-G-T. GRCh37 (hg19) VCF-style: chr8-145737879-G-T.
Other names: c.2657C>A, p.Ser886Tyr (NM_001413017.1); c.2753C>A, p.Ser918Tyr (NM_001413018.1); c.3026C>A, p.Ser1009Tyr (NM_001413019.1); c.2855C>A, p.Ser952Tyr (NM_001413020.1); c.1880C>A, p.Ser627Tyr (NM_001413021.1, NM_001413022.1, NM_001413024.1 and 4 more transcripts); c.1955C>A, p.Ser652Tyr (NM_001413023.1); c.2822C>A, p.Ser941Tyr (NM_001413025.1); c.1814C>A, p.Ser605Tyr (NM_001413027.1, NM_001413030.1, NM_001413032.1); and 9 more; short protein forms S886Y, S941Y, S974Y, S495Y, S605Y, S952Y, S627Y, S630Y.
Identifiers: ClinVar variation 2917066 (VCV002917066.3), dbSNP rs777976493, ClinGen allele CA4947995.